The following is an entry in ClinVar:

ClinVar aggregate classification (germline): Likely pathogenic. Review status: criteria provided, multiple submitters, no conflicts (2 of 4 stars). 3 submissions from 3 submitters: Likely pathogenic (3). Last evaluated 2026-09-18.

Conditions:
Spastic paraplegia. Identifiers: MedGen C0037772, HP:0001258.

Allele frequency attached by ClinVar (database versions not stated): ExAC 0.00002; TOPMed 0.00002; gnomAD exomes 0.00005 and 0.00001; ESP Exome Variant Server 0.00008; gnomAD 0.00001.
gnomAD v4.1: 74 of 1,614,024 alleles (0.0046%); highest among the groups gnomAD compares: Non-Finnish European, 0.0058%; no homozygotes.

Submissions (3):

GeneDx
Classification: Likely pathogenic. Last evaluated: 2026-09-18. Review status: criteria provided, single submitter. Criteria: GeneDx Variant Classification Process June 2021. Collection method: clinical testing. Allele origin: germline.
Comment: Canonical splice site variant predicted to result in an in-frame loss of the adjacent exon in a gene for which loss of function is a known mechanism of disease; Not observed at significant frequency in large population cohorts (gnomAD); Has not been previously published as pathogenic or benign to our knowledge; This variant is associated with the following publications: (PMID: 11018043, 23746551)

Labcorp Genetics (formerly Invitae), Labcorp
Classification: Likely pathogenic for Spastic paraplegia. Last evaluated: 2025-08-24. Review status: criteria provided, single submitter. Criteria: Invitae Variant Classification Sherloc (09022015). Collection method: clinical testing. Allele origin: germline.
Comment: This sequence change affects a donor splice site in intron 3 of the B4GALNT1 gene. It is expected to disrupt RNA splicing. Variants that disrupt the donor or acceptor splice site typically lead to a loss of protein function (PMID: 16199547), and loss-of-function variants in B4GALNT1 are known to be pathogenic (PMID: 23746551). This variant is present in population databases (rs371013292, gnomAD 0.003%). This variant has not been reported in the literature in individuals affected with B4GALNT1-related conditions. ClinVar contains an entry for this variant (Variation ID: 1176600). Algorithms developed to predict the effect of sequence changes on RNA splicing suggest that this variant may disrupt the consensus splice site. In summary, the currently available evidence indicates that the variant is pathogenic, but additional data are needed to prove that conclusively. Therefore, this variant has been classified as Likely Pathogenic.

CeGaT Center for Human Genetics Tuebingen
Classification: Likely pathogenic. Last evaluated: 2021-03-01. Review status: criteria provided, single submitter. Criteria: CeGaT Center For Human Genetics Tuebingen Variant Classification Criteria Version 2. Collection method: clinical testing. Allele origin: germline. Affected: yes. Observed: 1 variant allele.

Literature cited by the submitters: PubMed 16199547 (cited by Labcorp Genetics (formerly Invitae), Labcorp); PubMed 23746551 (cited by Labcorp Genetics (formerly Invitae), Labcorp).

NM_001478.5(B4GALNT1):c.383+1G>A

Gene: B4GALNT1 (beta-1,4-N-acetyl-galactosaminyltransferase 1; minus strand). Cytogenetic location: 12q13.3.
Variant type: single nucleotide variant.
Coding change: c.383+1G>A on transcript NM_001478.5 (MANE Select); the canonical splice donor site of the intron after coding-DNA position 383, G replaced by A.
Molecular consequence: splice donor variant. On other transcripts: intron variant (2).
Genome position (GRCh38, 1-based): chr12:57,631,199, C>T on the plus strand (G>A on the coding strand, the complement: B4GALNT1 is on the minus strand). VCF-style: chr12-57631199-C-T. GRCh37 (hg19) VCF-style: chr12-58024982-C-T.
Other names: c.219-113G>A (NM_001413978.1, NM_001276468.2); c.-605+1G>A (NM_001413984.1, NM_001413982.1, NM_001413981.1 and 1 more transcripts); c.383+1G>A (NM_001413977.1, NM_001413970.1, NM_001413968.1 and 9 more transcripts).
Identifiers: ClinVar variation 1176600 (VCV001176600.42), dbSNP rs371013292, ClinGen allele CA6655814.